The following is an entry in ClinVar:

NM_031483.7(ITCH):c.1713T>A (p.Phe571Leu)

Gene: ITCH (itchy E3 ubiquitin protein ligase; plus strand). Cytogenetic location: 20q11.22.
Variant type: single nucleotide variant.
Coding change: c.1713T>A on transcript NM_031483.7 (MANE Select); coding-DNA position 1713, T replaced by A.
Protein change: p.Phe571Leu; replaces phenylalanine 571 with leucine.
Molecular consequence: missense variant.
Genome position (GRCh38, 1-based): chr20:34,479,684, T>A. VCF-style: chr20-34479684-T-A. GRCh37 (hg19) VCF-style: chr20-33067489-T-A.
Other names: c.1836T>A, p.Phe612Leu (NM_001257137.3, NM_001324197.2); c.1383T>A, p.Phe461Leu (NM_001257138.3); c.1713T>A, p.Phe571Leu (NM_001324198.2); short protein forms F461L, F571L, F612L.
Identifiers: ClinVar variation 1008270 (VCV001008270.7), dbSNP rs1988548949, ClinGen allele CA408669521.

ClinVar aggregate classification (germline): Uncertain significance (1 of 4 stars; one submission).

Conditions:
Syndromic multisystem autoimmune disease due to ITCH deficiency. Also called: AUTOIMMUNE DISEASE, MULTISYSTEM, WITH FACIAL DYSMORPHISM. Identifiers: Orphanet 228426, MedGen C3150649, MONDO:0013245, OMIM 613385.

Submission:

Labcorp Genetics (formerly Invitae), Labcorp
Classification: Uncertain significance for Syndromic multisystem autoimmune disease due to ITCH deficiency. Last evaluated: 2020-03-26. Review status: criteria provided, single submitter. Criteria: Invitae Variant Classification Sherloc (09022015). Collection method: clinical testing. Allele origin: germline.
Comment: This sequence change replaces phenylalanine with leucine at codon 571 of the ITCH protein (p.Phe571Leu). The phenylalanine residue is highly conserved and there is a small physicochemical difference between phenylalanine and leucine. This variant is not present in population databases (ExAC no frequency). This variant has not been reported in the literature in individuals with ITCH-related conditions. Algorithms developed to predict the effect of missense changes on protein structure and function are either unavailable or do not agree on the potential impact of this missense change (SIFT: "Not Available"; PolyPhen-2: "Probably Damaging"; Align-GVGD: "Not Available"). In summary, the available evidence is currently insufficient to determine the role of this variant in disease. Therefore, it has been classified as a Variant of Uncertain Significance.